The following is an entry in ClinVar:

ClinVar aggregate classification (germline): Likely pathogenic. Review status: criteria provided, single submitter (1 of 4 stars). 4 submissions from 4 submitters: Likely pathogenic (1). 3 of the submissions do not count toward it. Last evaluated 2025-07-03.

Conditions:
Congenital myopathy 4B, autosomal recessive. Also called: Nemaline myopathy 1, autosomal dominant or recessive. Identifiers: Orphanet 171433, Orphanet 171439, Orphanet 171881, MedGen C5829889, MONDO:0012239, OMIM 609284.
Congenital myopathy with fiber type disproportion. Also called: Congenital fiber-type disproportion myopathy; Congenital fiber-type disproportion. Identifiers: Orphanet 2020, MedGen C0546264, MONDO:0009711. Inheritance: all.

Allele frequency attached by ClinVar (database versions not stated): gnomAD exomes 0.00001; ExAC 0.00001; TOPMed 0.00001.
gnomAD v4.1: 5 of 1,613,848 alleles (0.00031%); highest among the groups gnomAD compares: Admixed American, 0.0083%; no homozygotes.

Submissions (4):

Labcorp Genetics (formerly Invitae), Labcorp
Classification: Likely pathogenic for Congenital myopathy with fiber type disproportion; Congenital myopathy 4B, autosomal recessive. Last evaluated: 2025-07-03. Review status: criteria provided, single submitter. Criteria: Invitae Variant Classification Sherloc (09022015). Collection method: clinical testing. Allele origin: germline.
Comment: This sequence change disrupts the translational stop signal of the TPM3 mRNA. It is expected to extend the length of the TPM3 protein by 57 additional amino acid residues. This variant is present in population databases (rs199474720, gnomAD 0.009%). This protein extension has been observed in individuals with autosomal recessive nemaline myopathy and congenital fiber type disproportion (PMID: 12196661, 19953533). ClinVar contains an entry for this variant (Variation ID: 12447). Algorithms developed to predict the effect of variants on gene product structure and function are not available or were not evaluated for this variant. Experimental studies have shown that this protein extension affects TPM3 function (PMID: 12196661, 21357678). This variant results in an extension of the TPM3 protein. Other variant(s) that result in a similarly extended protein product (p.*286Lysext*57) have been observed in individuals with TPM3-related disease (PMID: 33124102). This suggests that these extensions may be clinically significant. In summary, the currently available evidence indicates that the variant is pathogenic, but additional data are needed to prove that conclusively. Therefore, this variant has been classified as Likely Pathogenic.

OMIM
Classification: Pathogenic for NEMALINE MYOPATHY 1. Last evaluated: 2008-03-01. Review status: no assertion criteria provided. Collection method: literature only. Allele origin: germline. Not counted in ClinVar's aggregate classification.

GeneReviews
No classification provided. Condition: Congenital myopathy 4B, autosomal recessive. Review status: no classification provided. Collection method: literature only. Allele origin: unknown. Not counted in ClinVar's aggregate classification.

TPM3 homepage - Leiden Muscular Dystrophy pages
No classification provided. Review status: no classification provided. Collection method: not provided. Allele origin: germline. Not counted in ClinVar's aggregate classification.

Literature cited by the submitters: PubMed 12196661 (cited by Labcorp Genetics (formerly Invitae), Labcorp and OMIM); PubMed 19953533 (cited by Labcorp Genetics (formerly Invitae), Labcorp and GeneReviews); PubMed 21357678 (cited by Labcorp Genetics (formerly Invitae), Labcorp); PubMed 33124102 (cited by Labcorp Genetics (formerly Invitae), Labcorp); PubMed 18300303 (cited by OMIM); PubMed 20301436 (cited by GeneReviews); NCBI Bookshelf NBK1259 (cited by GeneReviews).

NM_152263.4(TPM3):c.857A>C (p.Ter286Ser)

Gene: TPM3 (tropomyosin 3; minus strand). Cytogenetic location: 1q21.3.
Variant type: single nucleotide variant.
Coding change: c.857A>C on transcript NM_152263.4 (MANE Select); coding-DNA position 857, A replaced by C.
Protein change: p.Ter286Ser.
Molecular consequence: stop lost. On other transcripts: intron variant (12).
Genome position (GRCh38, 1-based): chr1:154,167,938, T>G on the plus strand (A>C on the coding strand, the complement: TPM3 is on the minus strand). VCF-style: chr1-154167938-T-G. GRCh37 (hg19) VCF-style: chr1-154140414-T-G.
Other names: *249S; c.857A>C, p.Ter286Ser (NM_001364682.1); c.746A>C, p.Ter249Ser (NM_001364683.1); c.775+2462A>C (NM_001364679.2, NM_001364681.2, NM_001364680.2); c.466+2462A>C (NM_001278188.2); c.664+2462A>C (NM_001043351.2, NM_001043353.2, NM_153649.4 and 1 more transcripts); c.743+1367A>C (NM_001349679.2, NM_001278189.2); c.601+2462A>C (NM_001278190.2); and 1 more.
Identifiers: ClinVar variation 12447 (VCV000012447.11), dbSNP rs199474720, ClinGen allele CA232703.